The following is an entry in ClinVar:

NM_001134363.3(RBM20):c.2281C>T (p.Arg761Trp)

Gene: RBM20 (RNA binding motif protein 20; plus strand). Cytogenetic location: 10q25.2.
Variant type: single nucleotide variant.
Coding change: c.2281C>T on transcript NM_001134363.3 (MANE Select); coding-DNA position 2281, C replaced by T.
Protein change: p.Arg761Trp; replaces arginine 761 with tryptophan.
Molecular consequence: missense variant.
Genome position (GRCh38, 1-based): chr10:110,812,678, C>T. VCF-style: chr10-110812678-C-T. GRCh37 (hg19) VCF-style: chr10-112572436-C-T.
Other names: c.2281C>T (NM_001134363.1); short protein forms R761W.
Identifiers: ClinVar variation 858017 (VCV000858017.11), dbSNP rs781256531, ClinGen allele CA5688677.

ClinVar aggregate classification (germline): Conflicting classifications of pathogenicity. Review status: criteria provided, conflicting classifications (1 of 4 stars). 2 submissions from 2 submitters: Uncertain significance (1); Likely benign (1). Last evaluated 2025-08-03.

Conditions:
Cardiovascular phenotype. Identifiers: MedGen CN230736.
Dilated cardiomyopathy 1DD (CMD1DD). Identifiers: Orphanet 154, MedGen C2750995, MONDO:0013168, OMIM 613172.

Allele frequency attached by ClinVar (database versions not stated): TOPMed below 0.00001; gnomAD 0.00001; gnomAD exomes 0.00002; ExAC 0.00005.
gnomAD v4.1: 22 of 1,551,578 alleles (0.0014%); highest among the groups gnomAD compares: South Asian, 0.0048%; no homozygotes.

Submissions (2):

Labcorp Genetics (formerly Invitae), Labcorp
Classification: Likely benign for Dilated cardiomyopathy 1DD. Last evaluated: 2025-08-03. Review status: criteria provided, single submitter. Criteria: Invitae Variant Classification Sherloc (09022015). Collection method: clinical testing. Allele origin: germline.

Ambry Genetics
Classification: Uncertain significance for Cardiovascular phenotype. Last evaluated: 2023-07-27. Review status: criteria provided, single submitter. Criteria: Ambry Variant Classification Scheme 2023. Collection method: clinical testing. Allele origin: germline.
Comment: The p.R761W variant (also known as c.2281C>T), located in coding exon 9 of the RBM20 gene, results from a C to T substitution at nucleotide position 2281. The arginine at codon 761 is replaced by tryptophan, an amino acid with dissimilar properties. This variant has been detected in a statin-associated myopathy cohort and in a limb-girdle muscular dystrophy cohort; however details were limited (Neoldov&aacute; M et al. Pharmacogenomics, 2016 Aug;17:1405-14; Fichna JP et al. Hum Genomics, 2018 Jul;12:34). This amino acid position is well conserved in available vertebrate species. In addition, this alteration is predicted to be tolerated by in silico analysis. Since supporting evidence is limited at this time, the clinical significance of this alteration remains unclear.

Literature cited by the submitters: PubMed 27296017 (cited by Ambry Genetics); PubMed 29970176 (cited by Ambry Genetics).